The following is an entry in ClinVar:

ClinVar aggregate classification (germline): Uncertain significance (1 of 4 stars; one submission).

Submission:

Labcorp Genetics (formerly Invitae), Labcorp
Classification: Uncertain significance. Last evaluated: 2021-03-26. Review status: criteria provided, single submitter. Criteria: Invitae Variant Classification Sherloc (09022015). Collection method: clinical testing. Allele origin: germline.
Comment: In summary, the available evidence is currently insufficient to determine the role of this variant in disease. Therefore, it has been classified as a Variant of Uncertain Significance. Algorithms developed to predict the effect of missense changes on protein structure and function are either unavailable or do not agree on the potential impact of this missense change (SIFT: "Not Available"; PolyPhen-2: "Possibly Damaging"; Align-GVGD: "Not Available"). This variant has not been reported in the literature in individuals with TCF3-related conditions. This variant is not present in population databases (ExAC no frequency). This sequence change replaces glutamine with leucine at codon 122 of the TCF3 protein (p.Gln122Leu). The glutamine residue is moderately conserved and there is a moderate physicochemical difference between glutamine and leucine.

NM_003200.5(TCF3):c.365A>T (p.Gln122Leu)

Gene: TCF3 (transcription factor 3; minus strand). Cytogenetic location: 19p13.3.
Variant type: single nucleotide variant.
Coding change: c.365A>T on transcript NM_003200.5 (MANE Select); coding-DNA position 365, A replaced by T.
Protein change: p.Gln122Leu; replaces glutamine 122 with leucine.
Molecular consequence: missense variant.
Genome position (GRCh38, 1-based): chr19:1,627,360, T>A on the plus strand (A>T on the coding strand, the complement: TCF3 is on the minus strand). VCF-style: chr19-1627360-T-A. GRCh37 (hg19) VCF-style: chr19-1627359-T-A.
Other names: c.365A>T, p.Gln122Leu (NM_001136139.4, NM_001351778.2, NM_001351779.2); short protein forms Q122L.
Identifiers: ClinVar variation 1506170 (VCV001506170.6), dbSNP rs2144610471, ClinGen allele CA403057320.